The following is an entry in ClinVar:

NM_021008.4(DEAF1):c.1511G>A (p.Cys504Tyr)

Gene: DEAF1 (DEAF1 transcription factor; minus strand). Cytogenetic location: 11p15.5.
Variant type: single nucleotide variant.
Coding change: c.1511G>A on transcript NM_021008.4 (MANE Select); coding-DNA position 1511, G replaced by A.
Protein change: p.Cys504Tyr; replaces cysteine 504 with tyrosine.
Molecular consequence: missense variant.
Genome position (GRCh38, 1-based): chr11:654,044, C>T on the plus strand (G>A on the coding strand, the complement: DEAF1 is on the minus strand). VCF-style: chr11-654044-C-T. GRCh37 (hg19) VCF-style: chr11-654044-C-T.
Other names: c.1286G>A, p.Cys429Tyr (NM_001293634.2); c.785G>A, p.Cys262Tyr (NM_001367390.1); short protein forms C262Y, C429Y, C504Y.
Identifiers: ClinVar variation 3383104 (VCV003383104.2).
Genomic context (GRCh38, chr11:654,044, plus strand): 5'-CAGTAGTTGACCTTGTGGCAGCCGGTGCACTCGCTCATAGCCTCCCGGCCGCAGTTAACG[C>T]AGGACTGCTGCAAGAAGGACACAACAGGCCAGTCAGTGACGTGGCCGTGGAGAGCCCCTG-3'
Protein context (NP_066288.2, residues 494-514): HADAERKEQS[Cys504Tyr]VNCGREAMSE

ClinVar aggregate classification (germline): Uncertain significance (1 of 4 stars; one submission).

Conditions:
Intellectual disability, autosomal dominant 24 (VSVS). Also called: VULTO-VAN SILFHOUT-DE VRIES SYNDROME. Identifiers: MedGen C4014414, MONDO:0014357, OMIM 615828.

Submission:

Juno Genomics, Hangzhou Juno Genomics, Inc
Classification: Uncertain significance for Intellectual disability, autosomal dominant 24. Review status: criteria provided, single submitter. Criteria: ACMG Guidelines, 2015. Collection method: clinical testing. Allele origin: germline. Affected: yes.
Comment: Absent from controls (or at extremely low frequency if recessive) in Genome Aggregation Database, Exome Sequencing Project, 1000 Genomes Project, or Exome Aggregation Consortium.;Multiple lines of computational evidence support a deleterious effect on the gene or gene product (conservation, evolutionary, splicing impact, etc).